The following is an entry in ClinVar:

ClinVar aggregate classification (germline): Likely benign (1 of 4 stars; one submission).

Allele frequency attached by ClinVar (database versions not stated): ExAC 0.00001; gnomAD exomes 0.00001; gnomAD 0.00002; TOPMed 0.00005.
gnomAD v4.1: 16 of 1,210,446 alleles (0.0013%); highest among the groups gnomAD compares: South Asian, 0.0035%; no homozygotes.

Submission:

CeGaT Center for Human Genetics Tuebingen
Classification: Likely benign. Last evaluated: 2023-12-01. Review status: criteria provided, single submitter. Criteria: CeGaT Center For Human Genetics Tuebingen Variant Classification Criteria Version 2. Collection method: clinical testing. Allele origin: germline. Affected: yes. Observed: 1 variant allele.
Comment: MAP7D2: BP4

NM_001168465.2(MAP7D2):c.311G>A (p.Arg104Gln)

Gene: MAP7D2 (MAP7 domain containing 2; minus strand). Cytogenetic location: Xp22.12.
Variant type: single nucleotide variant.
Coding change: c.311G>A on transcript NM_001168465.2 (MANE Select); coding-DNA position 311, G replaced by A.
Protein change: p.Arg104Gln; replaces arginine 104 with glutamine.
Molecular consequence: missense variant.
Genome position (GRCh38, 1-based): chrX:20,063,475, C>T on the plus strand (G>A on the coding strand, the complement: MAP7D2 is on the minus strand). VCF-style: chrX-20063475-C-T. GRCh37 (hg19) VCF-style: chrX-20081593-C-T.
Other names: c.311G>A, p.Arg104Gln (NM_001168466.2, NM_152780.4); c.179G>A, p.Arg60Gln (NM_001168467.2); short protein forms R104Q, R60Q.
Identifiers: ClinVar variation 3026695 (VCV003026695.22), dbSNP rs765975517, ClinGen allele CA10365808.